The following is an entry in ClinVar:

NM_006612.6(KIF1C):c.1607G>C (p.Gly536Ala)

Gene: KIF1C (kinesin family member 1C; plus strand). Cytogenetic location: 17p13.2.
Variant type: single nucleotide variant.
Coding change: c.1607G>C on transcript NM_006612.6 (MANE Select); coding-DNA position 1607, G replaced by C.
Protein change: p.Gly536Ala; replaces glycine 536 with alanine.
Molecular consequence: missense variant.
Genome position (GRCh38, 1-based): chr17:5,014,778, G>C. VCF-style: chr17-5014778-G-C. GRCh37 (hg19) VCF-style: chr17-4918073-G-C.
Other names: short protein forms G536A.
Identifiers: ClinVar variation 1307393 (VCV001307393.2), dbSNP rs960973563, ClinGen allele CA397308157.
Genomic context (GRCh38, chr17:5,014,778, plus strand): 5'-CAAACGTTGGCCATTGCTTCCCCAGGGTCGGCCAAGTAGATATGGACATCAAGCTGACCG[G>C]ACAGTTCATTCGGGAGCAACACTGTCTGTTCCGGAGCATCCCCCAGCCAGATGGAGAAGG-3'
Protein context (NP_006603.2, residues 526-546): GQVDMDIKLT[Gly536Ala]QFIREQHCLF

ClinVar aggregate classification (germline): Uncertain significance (1 of 4 stars; one submission).

Submission:

GeneDx
Classification: Uncertain significance. Last evaluated: 2019-07-22. Review status: criteria provided, single submitter. Criteria: GeneDx Variant Classification Process June 2021. Collection method: clinical testing. Allele origin: germline. Affected: yes.
Comment: Not observed in large population cohorts (Lek et al., 2016); In silico analysis, which includes protein predictors and evolutionary conservation, supports a deleterious effect; Has not been previously published as pathogenic or benign to our knowledge